The following is an entry in ClinVar:

NM_006514.4(SCN10A):c.4076C>T (p.Ala1359Val)

Gene: SCN10A (sodium voltage-gated channel alpha subunit 10; minus strand). Cytogenetic location: 3p22.2.
Variant type: single nucleotide variant.
Coding change: c.4076C>T on transcript NM_006514.4 (MANE Select); coding-DNA position 4076, C replaced by T.
Protein change: p.Ala1359Val; replaces alanine 1359 with valine.
Molecular consequence: missense variant.
Genome position (GRCh38, 1-based): chr3:38,712,174, G>A on the plus strand (C>T on the coding strand, the complement: SCN10A is on the minus strand). VCF-style: chr3-38712174-G-A. GRCh37 (hg19) VCF-style: chr3-38753665-G-A.
Other names: c.4073C>T, p.Ala1358Val (NM_001293306.2); c.3782C>T, p.Ala1261Val (NM_001293307.2); short protein forms A1359V, A1358V, A1261V.
Identifiers: ClinVar variation 1737585 (VCV001737585.2), dbSNP rs2470601537, ClinGen allele CA352150491.

ClinVar aggregate classification (germline): Uncertain significance (1 of 4 stars; one submission).

Conditions:
Cardiovascular phenotype. Identifiers: MedGen CN230736.

Allele frequency attached by ClinVar (database versions not stated): gnomAD exomes below 0.00001.
gnomAD v4.1: 1 of 1,614,014 alleles (0.000062%); highest among the groups gnomAD compares: Non-Finnish European, 0.000085%; no homozygotes.

Submission:

Ambry Genetics
Classification: Uncertain significance for Cardiovascular phenotype. Last evaluated: 2021-11-02. Review status: criteria provided, single submitter. Criteria: Ambry Variant Classification Scheme 2023. Collection method: clinical testing. Allele origin: germline.
Comment: The p.A1359V variant (also known as c.4076C>T), located in coding exon 22 of the SCN10A gene, results from a C to T substitution at nucleotide position 4076. The alanine at codon 1359 is replaced by valine, an amino acid with similar properties. This amino acid position is conserved. In addition, this alteration is predicted to be deleterious by in silico analysis. Since supporting evidence is limited at this time, the clinical significance of this alteration remains unclear.